The following is an entry in ClinVar:

ClinVar aggregate classification (germline): Uncertain significance (1 of 4 stars; one submission).

gnomAD v4.1: 1 of 1,614,144 alleles (0.000062%); no homozygotes.

Submission:

Ambry Genetics
Classification: Uncertain significance. Last evaluated: 2025-03-11. Review status: criteria provided, single submitter. Criteria: Ambry Variant Classification Scheme 2023. Collection method: clinical testing. Allele origin: germline.
Comment: The p.V1136E variant (also known as c.3407T>A), located in coding exon 1 of the TET2 gene, results from a T to A substitution at nucleotide position 3407. The valine at codon 1136 is replaced by glutamic acid, an amino acid with dissimilar properties. This amino acid position is conserved. In addition, the in silico prediction for this alteration is inconclusive. Based on the available evidence, the clinical significance of this variant remains unclear.

NM_001127208.3(TET2):c.3407T>A (p.Val1136Glu)

Genes: TET2 (tet methylcytosine dioxygenase 2; plus strand), TET2-AS1 (TET2 antisense RNA 1; minus strand). Cytogenetic location: 4q24.
Variant type: single nucleotide variant.
Coding change: c.3407T>A on transcript NM_001127208.3 (MANE Select); coding-DNA position 3407, T replaced by A.
Protein change: p.Val1136Glu; replaces valine 1136 with glutamic acid.
Molecular consequence: missense variant.
Genome position (GRCh38, 1-based): chr4:105,237,349, T>A. VCF-style: chr4-105237349-T-A. GRCh37 (hg19) VCF-style: chr4-106158506-T-A.
Other names: c.3407T>A, p.Val1136Glu (NM_017628.4); short protein forms V1136E.
Identifiers: ClinVar variation 3806117 (VCV003806117.1).